The following is an entry in ClinVar:

NM_138694.4(PKHD1):c.5356A>G (p.Ser1786Gly)

Gene: PKHD1 (PKHD1 ciliary IPT domain containing fibrocystin/polyductin; minus strand). Cytogenetic location: 6p12.2.
Variant type: single nucleotide variant.
Coding change: c.5356A>G on transcript NM_138694.4 (MANE Select); coding-DNA position 5356, A replaced by G.
Protein change: p.Ser1786Gly; replaces serine 1786 with glycine.
Molecular consequence: missense variant.
Genome position (GRCh38, 1-based): chr6:52,022,825, T>C on the plus strand (A>G on the coding strand, the complement: PKHD1 is on the minus strand). VCF-style: chr6-52022825-T-C. GRCh37 (hg19) VCF-style: chr6-51887623-T-C.
Other names: c.5356A>G, p.Ser1786Gly (NM_170724.3); short protein forms S1786G.
Identifiers: ClinVar variation 2836891 (VCV002836891.3), dbSNP rs2532653358, ClinGen allele CA364427479.
Genomic context (GRCh38, chr6:52,022,825, plus strand): 5'-TGCTTTAAAATATATGTGTGTGGCATCTTTACTCACCATCCAGGGGCAGAACCAAGCAGC[T>C]GAAGGCAGACACTGTAGCATTAGCCAGGACTCGGCAGGGAGCACCACACACAGCAGCTGA-3'
Protein context (NP_619639.3, residues 1776-1796): VLANATVSAF[Ser1786Gly]CLVLPLDVSL

ClinVar aggregate classification (germline): Uncertain significance (1 of 4 stars; one submission).

Conditions:
Autosomal recessive polycystic kidney disease (ARPKD). Also called: AR polycystic kidney disease. Identifiers: Orphanet 731, Orphanet 8378, MedGen C0085548, MeSH D017044, MONDO:0009889.

Submission:

Labcorp Genetics (formerly Invitae), Labcorp
Classification: Uncertain significance for Autosomal recessive polycystic kidney disease. Last evaluated: 2023-07-24. Review status: criteria provided, single submitter. Criteria: Invitae Variant Classification Sherloc (09022015). Collection method: clinical testing. Allele origin: germline.
Comment: In summary, the available evidence is currently insufficient to determine the role of this variant in disease. Therefore, it has been classified as a Variant of Uncertain Significance. Advanced modeling of protein sequence and biophysical properties (such as structural, functional, and spatial information, amino acid conservation, physicochemical variation, residue mobility, and thermodynamic stability) has been performed at Invitae for this missense variant, however the output from this modeling did not meet the statistical confidence thresholds required to predict the impact of this variant on PKHD1 protein function. This missense change has been observed in individual(s) with polycystic kidney disease (Invitae). In at least one individual the data is consistent with being in trans (on the opposite chromosome) from a pathogenic variant. This variant is not present in population databases (gnomAD no frequency). This sequence change replaces serine, which is neutral and polar, with glycine, which is neutral and non-polar, at codon 1786 of the PKHD1 protein (p.Ser1786Gly).